The following is an entry in ClinVar:

ClinVar aggregate classification (germline): Uncertain significance. Review status: criteria provided, multiple submitters, no conflicts (2 of 4 stars). 2 submissions from 2 submitters: Uncertain significance (2). Last evaluated 2022-07-16.

Allele frequency attached by ClinVar (database versions not stated): TOPMed below 0.00001; ExAC 0.00001; gnomAD 0.00001.
gnomAD v4.1: 18 of 1,612,998 alleles (0.0011%); highest among the groups gnomAD compares: Non-Finnish European, 0.0014%; no homozygotes.

Submissions (2):

Labcorp Genetics (formerly Invitae), Labcorp
Classification: Uncertain significance. Last evaluated: 2022-07-16. Review status: criteria provided, single submitter. Criteria: Invitae Variant Classification Sherloc (09022015). Collection method: clinical testing. Allele origin: germline.
Comment: This sequence change replaces serine, which is neutral and polar, with arginine, which is basic and polar, at codon 2863 of the CPLANE1 protein (p.Ser2863Arg). This variant is present in population databases (rs770084934, gnomAD 0.0009%). This variant has not been reported in the literature in individuals affected with CPLANE1-related conditions. Advanced modeling of protein sequence and biophysical properties (such as structural, functional, and spatial information, amino acid conservation, physicochemical variation, residue mobility, and thermodynamic stability) performed at Invitae indicates that this missense variant is not expected to disrupt CPLANE1 protein function. In summary, the available evidence is currently insufficient to determine the role of this variant in disease. Therefore, it has been classified as a Variant of Uncertain Significance.

Blueprint Genetics
Classification: Uncertain significance. Last evaluated: 2021-10-08. Review status: criteria provided, single submitter. Criteria: ACMG Guidelines, 2015. Collection method: clinical testing. Allele origin: germline.

NM_001384732.1(CPLANE1):c.8751T>A (p.Ser2917Arg)

Gene: CPLANE1 (ciliogenesis and planar polarity effector complex subunit 1; minus strand). Cytogenetic location: 5p13.2.
Variant type: single nucleotide variant.
Coding change: c.8751T>A on transcript NM_001384732.1 (MANE Select); coding-DNA position 8751, T replaced by A.
Protein change: p.Ser2917Arg; replaces serine 2917 with arginine.
Molecular consequence: missense variant.
Genome position (GRCh38, 1-based): chr5:37,138,761, A>T on the plus strand (T>A on the coding strand, the complement: CPLANE1 is on the minus strand). VCF-style: chr5-37138761-A-T. GRCh37 (hg19) VCF-style: chr5-37138863-A-T.
Other names: c.8589T>A, p.Ser2863Arg (NM_023073.4); short protein forms S2917R, S2863R.
Identifiers: ClinVar variation 2160181 (VCV002160181.4), dbSNP rs770084934, ClinGen allele CA3237684.